The following is an entry in ClinVar:

ClinVar aggregate classification (germline): Uncertain significance (1 of 4 stars; one submission).

Submission:

Labcorp Genetics (formerly Invitae), Labcorp
Classification: Uncertain significance. Last evaluated: 2022-02-23. Review status: criteria provided, single submitter. Criteria: Invitae Variant Classification Sherloc (09022015). Collection method: clinical testing. Allele origin: germline.
Comment: This sequence change replaces alanine, which is neutral and non-polar, with threonine, which is neutral and polar, at codon 53 of the NDUFS7 protein (p.Ala53Thr). This variant is not present in population databases (gnomAD no frequency). This variant has not been reported in the literature in individuals affected with NDUFS7-related conditions. Algorithms developed to predict the effect of missense changes on protein structure and function (SIFT, PolyPhen-2, Align-GVGD) all suggest that this variant is likely to be tolerated. In summary, the available evidence is currently insufficient to determine the role of this variant in disease. Therefore, it has been classified as a Variant of Uncertain Significance.

NM_024407.5(NDUFS7):c.157G>A (p.Ala53Thr)

Gene: NDUFS7 (NADH:ubiquinone oxidoreductase core subunit S7; plus strand). Cytogenetic location: 19p13.3.
Variant type: single nucleotide variant.
Coding change: c.157G>A on transcript NM_024407.5 (MANE Select); coding-DNA position 157, G replaced by A.
Protein change: p.Ala53Thr; replaces alanine 53 with threonine.
Molecular consequence: missense variant.
Genome position (GRCh38, 1-based): chr19:1,388,867, G>A. VCF-style: chr19-1388867-G-A. GRCh37 (hg19) VCF-style: chr19-1388866-G-A.
Other names: c.157G>A, p.Ala53Thr (NM_001363602.2); short protein forms A53T.
Identifiers: ClinVar variation 2102602 (VCV002102602.4), dbSNP rs2512206155, ClinGen allele CA402983738.
Genomic context (GRCh38, chr19:1,388,867, plus strand): 5'-CCTGTGCCCGTGTGTCTCTGTGCCAGCACCCAGCCTGCCCTGCCAAAGGCCAGAGCCGTG[G>A]CTCCCAAACCCAGCAGCCGGGGCGAGTATGTGGTGGCCAAGCTGGATGACCTCGTCAACT-3'
Protein context (NP_077718.3, residues 43-63): QPALPKARAV[Ala53Thr]PKPSSRGEYV